The following is an entry in ClinVar:

ClinVar aggregate classification (germline): Uncertain significance (1 of 4 stars; one submission).

Conditions:
Hereditary cancer-predisposing syndrome. Also called: Tumor predisposition; Neoplastic Syndromes, Hereditary; Hereditary Cancer Syndrome; Hereditary neoplastic syndrome. Identifiers: Orphanet 140162, MedGen C0027672, MeSH D009386, MONDO:0015356.

Submission:

Ambry Genetics
Classification: Uncertain significance for Hereditary cancer-predisposing syndrome. Last evaluated: 2024-08-19. Review status: criteria provided, single submitter. Criteria: Ambry Variant Classification Scheme 2023. Collection method: clinical testing. Allele origin: germline.
Comment: The p.T1310P variant (also known as c.3928A>C), located in coding exon 10 of the BRCA2 gene, results from an A to C substitution at nucleotide position 3928. The threonine at codon 1310 is replaced by proline, an amino acid with highly similar properties. This amino acid position is conserved. In addition, this alteration is predicted to be tolerated by in silico analysis. Based on the available evidence, the clinical significance of this variant remains unclear.

NM_000059.4(BRCA2):c.3928A>C (p.Thr1310Pro)

Gene: BRCA2 (BRCA2 DNA repair associated; plus strand). Cytogenetic location: 13q13.1.
Variant type: single nucleotide variant.
Coding change: c.3928A>C on transcript NM_000059.4 (MANE Select); coding-DNA position 3928, A replaced by C.
Protein change: p.Thr1310Pro; replaces threonine 1310 with proline.
Molecular consequence: missense variant. On other transcripts: non-coding transcript variant (1), intron variant (2).
Genome position (GRCh38, 1-based): chr13:32,338,283, A>C. VCF-style: chr13-32338283-A-C. GRCh37 (hg19) VCF-style: chr13-32912420-A-C.
Other names: c.3928A>C, p.Thr1310Pro (NM_001406719.1, NM_001406720.1, NM_001432077.1); c.1909+4896A>C (NM_001406721.1); c.425-6275A>C (NM_001406722.1); short protein forms T1310P.
Identifiers: ClinVar variation 3482067 (VCV003482067.1).